The following is an entry in ClinVar:

NM_006080.3(SEMA3A):c.14C>G (p.Thr5Ser)

Gene: SEMA3A (semaphorin 3A; minus strand). Cytogenetic location: 7q21.11.
Variant type: single nucleotide variant.
Coding change: c.14C>G on transcript NM_006080.3 (MANE Select); coding-DNA position 14, C replaced by G.
Protein change: p.Thr5Ser; replaces threonine 5 with serine.
Molecular consequence: missense variant.
Genome position (GRCh38, 1-based): chr7:84,194,573, G>C on the plus strand (C>G on the coding strand, the complement: SEMA3A is on the minus strand). VCF-style: chr7-84194573-G-C. GRCh37 (hg19) VCF-style: chr7-83823889-G-C.
Other names: short protein forms T5S.
Identifiers: ClinVar variation 3350912 (VCV003350912.1).

ClinVar aggregate classification (germline): Uncertain significance (0 of 4 stars; one submission).

Conditions:
SEMA3A-related disorder. Also called: SEMA3A-related condition.

gnomAD v4.1: 4 of 1,609,316 alleles (0.00025%); highest among the groups gnomAD compares: Non-Finnish European, 0.00034%; no homozygotes.

Submission:

PreventionGenetics, part of Exact Sciences
Classification: Uncertain significance for SEMA3A-related condition. Last evaluated: 2023-12-19. Review status: no assertion criteria provided. Collection method: clinical testing. Allele origin: germline.
Comment: The SEMA3A c.14C>G variant is predicted to result in the amino acid substitution p.Thr5Ser. To our knowledge, this variant has not been reported in the literature. This variant is reported in 0.0015% of alleles in individuals of European (Non-Finnish) descent in gnomAD. At this time, the clinical significance of this variant is uncertain due to the absence of conclusive functional and genetic evidence.